The following is an entry in ClinVar:

ClinVar aggregate classification (germline): Uncertain significance. Review status: criteria provided, multiple submitters, no conflicts (2 of 4 stars). 2 submissions from 2 submitters: Uncertain significance (2). Last evaluated 2023-06-06.

Conditions:
Hereditary cancer-predisposing syndrome. Also called: Tumor predisposition; Hereditary neoplastic syndrome; Neoplastic Syndromes, Hereditary; Hereditary Cancer Syndrome. Identifiers: Orphanet 140162, MedGen C0027672, MeSH D009386, MONDO:0015356.
Haddad syndrome (OHD). Also called: Ondine-Hirschsprung disease. Identifiers: Orphanet 99803, MedGen C1859049, MONDO:0020493.

Allele frequency attached by ClinVar (database versions not stated): gnomAD exomes 0.00001.

Submissions (2):

Labcorp Genetics (formerly Invitae), Labcorp
Classification: Uncertain significance for Haddad syndrome. Last evaluated: 2023-06-06. Review status: criteria provided, single submitter. Criteria: Invitae Variant Classification Sherloc (09022015). Collection method: clinical testing. Allele origin: germline.
Comment: In summary, the available evidence is currently insufficient to determine the role of this variant in disease. Therefore, it has been classified as a Variant of Uncertain Significance. Advanced modeling of protein sequence and biophysical properties (such as structural, functional, and spatial information, amino acid conservation, physicochemical variation, residue mobility, and thermodynamic stability) performed at Invitae indicates that this missense variant is not expected to disrupt PHOX2B protein function. ClinVar contains an entry for this variant (Variation ID: 1360074). This variant has not been reported in the literature in individuals affected with PHOX2B-related conditions. The frequency data for this variant in the population databases is considered unreliable, as metrics indicate poor data quality at this position in the gnomAD database. This sequence change replaces threonine, which is neutral and polar, with asparagine, which is neutral and polar, at codon 205 of the PHOX2B protein (p.Thr205Asn).

Ambry Genetics
Classification: Uncertain significance for Hereditary cancer-predisposing syndrome. Last evaluated: 2021-10-20. Review status: criteria provided, single submitter. Criteria: Ambry Variant Classification Scheme 2023. Collection method: clinical testing. Allele origin: germline.
Comment: The p.T205N variant (also known as c.614C>A), located in coding exon 3 of the PHOX2B gene, results from a C to A substitution at nucleotide position 614. The threonine at codon 205 is replaced by asparagine, an amino acid with similar properties. This amino acid position is not well conserved in available vertebrate species. In addition, this alteration is predicted to be tolerated by in silico analysis. Since supporting evidence is limited at this time, the clinical significance of this alteration remains unclear.

NM_003924.4(PHOX2B):c.614C>A (p.Thr205Asn)

Gene: PHOX2B (paired like homeobox 2B; minus strand). Cytogenetic location: 4p13.
Variant type: single nucleotide variant.
Coding change: c.614C>A on transcript NM_003924.4 (MANE Select); coding-DNA position 614, C replaced by A.
Protein change: p.Thr205Asn; replaces threonine 205 with asparagine.
Molecular consequence: missense variant.
Genome position (GRCh38, 1-based): chr4:41,746,138, G>T on the plus strand (C>A on the coding strand, the complement: PHOX2B is on the minus strand). VCF-style: chr4-41746138-G-T. GRCh37 (hg19) VCF-style: chr4-41748155-G-T.
Other names: short protein forms T205N.
Identifiers: ClinVar variation 1360074 (VCV001360074.10), dbSNP rs1228610109, ClinGen allele CA356737718.